The following is an entry in ClinVar:

ClinVar aggregate classification (germline): Likely benign (0 of 4 stars; one submission).

Conditions:
PKD1L1-related disorder. Also called: PKD1L1-related condition.

Allele frequency attached by ClinVar (database versions not stated): gnomAD 0.00001; ExAC 0.00003; 1000 Genomes Project 30x 0.00016; 1000 Genomes Project 0.00020.
gnomAD v4.1: 15 of 1,614,184 alleles (0.00093%); highest among the groups gnomAD compares: South Asian, 0.016%; no homozygotes.

Submission:

PreventionGenetics, part of Exact Sciences
Classification: Likely benign for PKD1L1-related condition. Last evaluated: 2023-09-14. Review status: no assertion criteria provided. Collection method: clinical testing. Allele origin: germline.
Comment: This variant is classified as likely benign based on ACMG/AMP sequence variant interpretation guidelines (Richards et al. 2015 PMID: 25741868, with internal and published modifications).

NM_138295.5(PKD1L1):c.4566T>C (p.Tyr1522=)

Gene: PKD1L1 (polycystin 1 like 1, transient receptor potential channel interacting; minus strand). Cytogenetic location: 7p12.3.
Variant type: single nucleotide variant.
Coding change: c.4566T>C on transcript NM_138295.5 (MANE Select); coding-DNA position 4566, T replaced by C.
Protein change: p.Tyr1522=; no amino-acid change (tyrosine 1522 retained).
Molecular consequence: synonymous variant.
Genome position (GRCh38, 1-based): chr7:47,857,629, A>G on the plus strand (T>C on the coding strand, the complement: PKD1L1 is on the minus strand). VCF-style: chr7-47857629-A-G. GRCh37 (hg19) VCF-style: chr7-47897227-A-G.
Identifiers: ClinVar variation 3030233 (VCV003030233.2), dbSNP rs570717436, ClinGen allele CA4253094.